The following is an entry in ClinVar:

NM_004329.3(BMPR1A):c.68-5T>C

Gene: BMPR1A (bone morphogenetic protein receptor type 1A; plus strand). Cytogenetic location: 10q23.2.
Variant type: single nucleotide variant.
Coding change: c.68-5T>C on transcript NM_004329.3 (MANE Select); 5 bases into the intron before coding-DNA position 68, T replaced by C.
Molecular consequence: intron variant.
Genome position (GRCh38, 1-based): chr10:86,890,057, T>C. VCF-style: chr10-86890057-T-C. GRCh37 (hg19) VCF-style: chr10-88649814-T-C.
Identifiers: ClinVar variation 416802 (VCV000416802.16), dbSNP rs1060504902, ClinGen allele CA16613094.

ClinVar aggregate classification (germline): Conflicting classifications of pathogenicity. Review status: criteria provided, conflicting classifications (1 of 4 stars). 3 submissions from 3 submitters: Uncertain significance (1); Likely benign (2). Last evaluated 2026-01-13.

Conditions:
Juvenile polyposis syndrome (JPS). Identifiers: Orphanet 2929, MedGen C0345893, MONDO:0017380, OMIM 174900.
Hereditary cancer-predisposing syndrome. Also called: Tumor predisposition; Neoplastic Syndromes, Hereditary; Hereditary Cancer Syndrome; Hereditary neoplastic syndrome. Identifiers: Orphanet 140162, MedGen C0027672, MeSH D009386, MONDO:0015356.

Allele frequency attached by ClinVar (database versions not stated): gnomAD exomes 0.00001.
gnomAD v4.1: 18 of 1,612,564 alleles (0.0011%); highest among the groups gnomAD compares: Non-Finnish European, 0.0015%; no homozygotes.

Submissions (3):

Labcorp Genetics (formerly Invitae), Labcorp
Classification: Likely benign for Juvenile polyposis syndrome. Last evaluated: 2026-01-13. Review status: criteria provided, single submitter. Criteria: Invitae Variant Classification Sherloc (09022015). Collection method: clinical testing. Allele origin: germline.

Ambry Genetics
Classification: Uncertain significance for Hereditary cancer-predisposing syndrome. Last evaluated: 2025-08-18. Review status: criteria provided, single submitter. Criteria: Ambry Variant Classification Scheme 2023. Collection method: clinical testing. Allele origin: germline.
Comment: The c.68-5T>C intronic variant results from a T to C substitution 5 nucleotides upstream from coding exon 2 in the BMPR1A gene. This nucleotide position is not well conserved in available vertebrate species. In silico splice site analysis for this alteration is inconclusive; however, direct evidence is insufficient at this time (Ambry internal data). Based on the available evidence, the clinical significance of this variant remains unclear.

Myriad Genetics, Inc.
Classification: Likely benign for Juvenile polyposis syndrome. Last evaluated: 2024-07-31. Review status: criteria provided, single submitter. Criteria: Myriad Autosomal Dominant, Autosomal Recessive and X-Linked Classification Criteria (2023). Collection method: clinical testing. Allele origin: unknown.
Comment: This variant is considered likely benign. This variant is intronic and is not expected to impact mRNA splicing.